The following is an entry in ClinVar:

NM_138694.4(PKHD1):c.4664C>A (p.Thr1555Lys)

Genes: PKHD1 (PKHD1 ciliary IPT domain containing fibrocystin/polyductin; minus strand), LOC126859690 (MED14-independent group 3 enhancer GRCh37_chr6:51888848-51890047; plus strand). Cytogenetic location: 6p12.2.
Variant type: single nucleotide variant.
Coding change: c.4664C>A on transcript NM_138694.4 (MANE Select); coding-DNA position 4664, C replaced by A.
Protein change: p.Thr1555Lys; replaces threonine 1555 with lysine.
Molecular consequence: missense variant.
Genome position (GRCh38, 1-based): chr6:52,025,146, G>T on the plus strand (C>A on the coding strand, the complement: PKHD1 is on the minus strand). VCF-style: chr6-52025146-G-T. GRCh37 (hg19) VCF-style: chr6-51889944-G-T.
Other names: c.4664C>A, p.Thr1555Lys (NM_170724.3); short protein forms T1555K.
Identifiers: ClinVar variation 4992591 (VCV004992591.1).
Genomic context (GRCh38, chr6:52,025,146, plus strand): 5'-ACTTGGGGCATAATGTAGAAGTGTCTGGAAACATTACCAGAACAAGCATACCCATTTCTT[G>T]TATAAAAAACTGACAGGTAGTGGGGTCCTGGGGCCAAGTCTCTTGTCTGGCACACAACGT-3'
Protein context (NP_619639.3, residues 1545-1565): PGPHYLSVFY[Thr1555Lys]RNGYACSGNV

ClinVar aggregate classification (germline): Uncertain significance (1 of 4 stars; one submission).

Conditions:
PKHD1-related disorder. Also called: PKHD1-related condition.

Submission:

PreventionGenetics, part of Exact Sciences
Classification: Uncertain significance for PKHD1-related condition. Last evaluated: 2025-11-30. Review status: criteria provided, single submitter. Criteria: ACMG Guidelines, 2015. Collection method: clinical testing. Allele origin: germline.
Comment: The PKHD1 c.4664C>A variant is predicted to result in the amino acid substitution p.Thr1555Lys. To our knowledge, this variant has not been reported in the literature or in a large population database (gnomAD), indicating this variant is rare. At this time, the clinical significance of this variant is uncertain due to the absence of conclusive functional and genetic evidence.